The following is an entry in ClinVar:

NM_000179.3(MSH6):c.53del (p.Ser18fs)

Gene: MSH6 (mutS homolog 6; plus strand). Cytogenetic location: 2p16.3.
Variant type: Deletion.
Coding change: c.53del on transcript NM_000179.3 (MANE Select); coding-DNA position 53, one base deleted (G; older notation c.53delG).
Protein change: p.Ser18fs; shifts the reading frame from serine 18.
Molecular consequence: frameshift variant. On other transcripts: 5 prime UTR variant (8), non-coding transcript variant (5), intron variant (5).
Genome position (GRCh38, 1-based): chr2:47,783,286, G deleted. VCF-style (leftmost placement, unchanged base first): chr2-47783285-AG-A. GRCh37 (hg19) VCF-style: chr2-48010424-AG-A.
Other names: c.53del, p.Ser18fs (NM_001281492.2, NM_001406795.1, NM_001406796.1 and 9 more transcripts); c.-684del (NM_001281493.2, NM_001406811.1); c.-276del (NM_001406799.1); c.-3del (NM_001406804.1); c.-876del (NM_001406807.1); c.-531del (NM_001406812.1); c.-942del (NM_001406814.1); c.-487del (NM_001406816.1); and 3 more; short protein forms S18fs.
Identifiers: ClinVar variation 4713873 (VCV004713873.1).
Genomic context (GRCh38, chr2:47,783,285, plus strand): 5'-GCTGTCGGTATGTCGCGACAGAGCACCCTGTACAGCTTCTTCCCCAAGTCTCCGGCGCTG[AG>A]TGATGCCAACAAGGCCTCGGCCAGGGCCTCACGCGAAGGCGGCCGTGCCGCCGCTGCCCC-3'

ClinVar aggregate classification (germline): Pathogenic (1 of 4 stars; one submission).

Conditions:
Hereditary nonpolyposis colorectal neoplasms. Identifiers: MedGen C0009405, MeSH D003123.

Submission:

Labcorp Genetics (formerly Invitae), Labcorp
Classification: Pathogenic for Hereditary nonpolyposis colorectal neoplasms. Last evaluated: 2025-02-26. Review status: criteria provided, single submitter. Criteria: Invitae Variant Classification Sherloc (09022015). Collection method: clinical testing. Allele origin: germline.
Comment: This sequence change creates a premature translational stop signal (p.Ser18Metfs*63) in the MSH6 gene. It is expected to result in an absent or disrupted protein product. Loss-of-function variants in MSH6 are known to be pathogenic (PMID: 18269114, 24362816). This variant is not present in population databases (gnomAD no frequency). This variant has not been reported in the literature in individuals affected with MSH6-related conditions. For these reasons, this variant has been classified as Pathogenic.

Literature cited by the submitters: PubMed 18269114; PubMed 24362816.